The following is an entry in ClinVar:

NM_001365951.3(KIF1B):c.819G>T (p.Lys273Asn)

Gene: KIF1B (kinesin family member 1B; plus strand). Cytogenetic location: 1p36.22.
Variant type: single nucleotide variant.
Coding change: c.819G>T on transcript NM_001365951.3 (MANE Select); coding-DNA position 819, G replaced by T.
Protein change: p.Lys273Asn; replaces lysine 273 with asparagine.
Molecular consequence: missense variant.
Genome position (GRCh38, 1-based): chr1:10,272,261, G>T. VCF-style: chr1-10272261-G-T. GRCh37 (hg19) VCF-style: chr1-10332319-G-T.
Other names: c.819G>T, p.Lys273Asn (NM_001365952.1, NM_001365953.1, NM_015074.3 and 1 more transcripts); short protein forms K273N.
Identifiers: ClinVar variation 3288431 (VCV003288431.1).

ClinVar aggregate classification (germline): Uncertain significance (1 of 4 stars; one submission).

Submission:

Ambry Genetics
Classification: Uncertain significance. Last evaluated: 2024-04-27. Review status: criteria provided, single submitter. Criteria: Ambry Variant Classification Scheme 2023. Collection method: clinical testing. Allele origin: germline.
Comment: The p.K273N variant (also known as c.819G>T), located in coding exon 8 of the KIF1B gene, results from a G to T substitution at nucleotide position 819. The lysine at codon 273 is replaced by asparagine, an amino acid with similar properties. This amino acid position is conserved. In addition, the in silico prediction for this alteration is inconclusive. Based on the available evidence, the clinical significance of this variant remains unclear.